The following is an entry in ClinVar:

ClinVar aggregate classification (germline): Uncertain significance. Review status: criteria provided, multiple submitters, no conflicts (2 of 4 stars). 2 submissions from 2 submitters: Uncertain significance (2). Last evaluated 2025-08-09.

Allele frequency attached by ClinVar (database versions not stated): 1000 Genomes Project 30x 0.00016; 1000 Genomes Project 0.00020.
gnomAD v4.1: 37 of 1,613,638 alleles (0.0023%); highest among the groups gnomAD compares: Middle Eastern, 0.033%; no homozygotes.

Submissions (2):

Labcorp Genetics (formerly Invitae), Labcorp
Classification: Uncertain significance. Last evaluated: 2025-08-09. Review status: criteria provided, single submitter. Criteria: Invitae Variant Classification Sherloc (09022015). Collection method: clinical testing. Allele origin: germline.
Comment: This sequence change replaces valine, which is neutral and non-polar, with methionine, which is neutral and non-polar, at codon 197 of the CLCN6 protein (p.Val197Met). This variant is present in population databases (rs200586664, gnomAD 0.02%). This variant has not been reported in the literature in individuals affected with CLCN6-related conditions. ClinVar contains an entry for this variant (Variation ID: 1495142). An algorithm developed to predict the effect of missense changes on protein structure and function (PolyPhen-2) suggests that this variant is likely to be disruptive. In summary, the available evidence is currently insufficient to determine the role of this variant in disease. Therefore, it has been classified as a Variant of Uncertain Significance.

CeGaT Center for Human Genetics Tuebingen
Classification: Uncertain significance. Last evaluated: 2022-05-01. Review status: criteria provided, single submitter. Criteria: CeGaT Center For Human Genetics Tuebingen Variant Classification Criteria Version 2. Collection method: clinical testing. Allele origin: germline. Affected: yes. Observed: 1 variant allele.
Comment: CLCN6: PP3

NM_001286.5(CLCN6):c.589G>A (p.Val197Met)

Gene: CLCN6 (Cl-/H+ antiporter 6; plus strand). Cytogenetic location: 1p36.22.
Variant type: single nucleotide variant.
Coding change: c.589G>A on transcript NM_001286.5 (MANE Select); coding-DNA position 589, G replaced by A.
Protein change: p.Val197Met; replaces valine 197 with methionine.
Molecular consequence: missense variant. On other transcripts: non-coding transcript variant (1).
Genome position (GRCh38, 1-based): chr1:11,824,494, G>A. VCF-style: chr1-11824494-G-A. GRCh37 (hg19) VCF-style: chr1-11884551-G-A.
Other names: c.523G>A, p.Val175Met (NM_001256959.2); short protein forms V197M, V175M.
Identifiers: ClinVar variation 1495142 (VCV001495142.30), dbSNP rs200586664, ClinGen allele CA596154.
Genomic context (GRCh38, chr1:11,824,494, plus strand): 5'-CCAGGGGCGTTTCTGCACTGACTGTTGGTCTTTCCTTTTTCACCCTGCCCAGGGCTCTTC[G>A]TGGAGAAGGAAGGCCCCATGATCCACAGTGGTTCGGTGGTGGGAGCTGGCCTCCCTCAGG-3'
Protein context (NP_001277.2, residues 187-207): VLFSVAGGLF[Val197Met]EKEGPMIHSG